The following is an entry in ClinVar:

NM_015001.3(SPEN):c.10857C>T (p.Ser3619=)

Gene: SPEN (spen family transcriptional repressor; plus strand). Cytogenetic location: 1p36.13.
Variant type: single nucleotide variant.
Coding change: c.10857C>T on transcript NM_015001.3 (MANE Select); coding-DNA position 10857, C replaced by T.
Protein change: p.Ser3619=; no amino-acid change (serine 3619 retained).
Molecular consequence: synonymous variant.
Genome position (GRCh38, 1-based): chr1:15,938,870, C>T. VCF-style: chr1-15938870-C-T. GRCh37 (hg19) VCF-style: chr1-16265365-C-T.
Identifiers: ClinVar variation 747910 (VCV000747910.5), dbSNP rs968978364, ClinGen allele CA18286688.

ClinVar aggregate classification (germline): Likely benign. Review status: criteria provided, single submitter (1 of 4 stars). 2 submissions from 2 submitters: Likely benign (1). 1 of the submissions does not count toward it. Last evaluated 2018-06-20.

Conditions:
SPEN-related disorder. Also called: SPEN-related condition.

Allele frequency attached by ClinVar (database versions not stated): gnomAD exomes below 0.00001; gnomAD 0.00007 and 0.00008; TOPMed 0.00016.
gnomAD v4.1: 16 of 1,613,490 alleles (0.00099%); highest among the groups gnomAD compares: Admixed American, 0.02%; no homozygotes.

Submissions (2):

Labcorp Genetics (formerly Invitae), Labcorp
Classification: Likely benign. Last evaluated: 2018-06-20. Review status: criteria provided, single submitter. Criteria: Invitae Variant Classification Sherloc (09022015). Collection method: clinical testing. Allele origin: germline.

PreventionGenetics, part of Exact Sciences
Classification: Likely benign for SPEN-related condition. Last evaluated: 2019-09-13. Review status: no assertion criteria provided. Collection method: clinical testing. Allele origin: germline. Not counted in ClinVar's aggregate classification.
Comment: This variant is classified as likely benign based on ACMG/AMP sequence variant interpretation guidelines (Richards et al. 2015 PMID: 25741868, with internal and published modifications).